The following is an entry in ClinVar:

ClinVar aggregate classification (germline): Uncertain significance (1 of 4 stars; one submission).

Conditions:
MYO7A-related disorder. Also called: MYO7A-related disorders.

Submission:

PreventionGenetics, part of Exact Sciences
Classification: Uncertain significance for MYO7A-related condition. Last evaluated: 2025-11-24. Review status: criteria provided, single submitter. Criteria: ACMG Guidelines, 2015. Collection method: clinical testing. Allele origin: germline.
Comment: The MYO7A c.653A>G variant is predicted to result in the amino acid substitution p.Asp218Gly. To our knowledge, this variant has not been reported in the literature or in a large population database (gnomAD), indicating it is rare. A different missense variant affecting the same amino acid (p.Asp218Asn) has been associated with hearing loss and is classified as (likely) pathogenic in ClinVar (Sun et al. 2011. PubMed ID: 21150918; Variation ID: 29924). At this time, the clinical significance of the c.653A>G (p.Asp218Gly) variant is uncertain due to the absence of conclusive functional and genetic evidence.

NM_000260.4(MYO7A):c.653A>G (p.Asp218Gly)

Gene: MYO7A (myosin VIIA; plus strand). Cytogenetic location: 11q13.5.
Variant type: single nucleotide variant.
Coding change: c.653A>G on transcript NM_000260.4 (MANE Select); coding-DNA position 653, A replaced by G.
Protein change: p.Asp218Gly; replaces aspartic acid 218 with glycine.
Molecular consequence: missense variant.
Genome position (GRCh38, 1-based): chr11:77,156,922, A>G. VCF-style: chr11-77156922-A-G. GRCh37 (hg19) VCF-style: chr11-76867968-A-G.
Other names: c.653A>G, p.Asp218Gly (NM_001127180.2); c.620A>G, p.Asp207Gly (NM_001369365.1); short protein forms D207G, D218G.
Identifiers: ClinVar variation 4991218 (VCV004991218.1).